The following is an entry in ClinVar:

NM_000435.3(NOTCH3):c.1531T>A (p.Cys511Ser)

Gene: NOTCH3 (notch receptor 3; minus strand). Cytogenetic location: 19p13.12.
Variant type: single nucleotide variant.
Coding change: c.1531T>A on transcript NM_000435.3 (MANE Select); coding-DNA position 1531, T replaced by A.
Protein change: p.Cys511Ser; replaces cysteine 511 with serine.
Molecular consequence: missense variant.
Genome position (GRCh38, 1-based): chr19:15,187,956, A>T on the plus strand (T>A on the coding strand, the complement: NOTCH3 is on the minus strand). VCF-style: chr19-15187956-A-T. GRCh37 (hg19) VCF-style: chr19-15298767-A-T.
Other names: short protein forms C511S.
Identifiers: ClinVar variation 2684131 (VCV002684131.4), dbSNP rs2046897246, ClinGen allele CA404526505.
Genomic context (GRCh38, chr19:15,187,956, plus strand): 5'-ACTCGTAGCCATCGGGCTGGTCCACGCATTTGGCGCCATTCCTGCAGGGCGTGCTGGCGC[A>T]TTCGTCCACGTCCAGCTGACACGTGGAGCCGCTGAAGCCTGGGGTGGGGAGTGGGATGAG-3'
Protein context (NP_000426.2, residues 501-521): GSTCQLDVDE[Cys511Ser]ASTPCRNGAK

ClinVar aggregate classification (germline): Conflicting classifications of pathogenicity. Review status: criteria provided, conflicting classifications (1 of 4 stars). 4 submissions from 4 submitters: Pathogenic (1); Likely pathogenic (1); Uncertain significance (2). Last evaluated 2025-03-02.

Submissions (4):

Labcorp Genetics (formerly Invitae), Labcorp
Classification: Uncertain significance. Last evaluated: 2025-03-02. Review status: criteria provided, single submitter. Criteria: Invitae Variant Classification Sherloc (09022015). Collection method: clinical testing. Allele origin: germline.
Comment: This sequence change replaces cysteine, which is neutral and slightly polar, with serine, which is neutral and polar, at codon 511 of the NOTCH3 protein (p.Cys511Ser). This variant is not present in population databases (gnomAD no frequency). This variant has not been reported in the literature in individuals affected with NOTCH3-related conditions. ClinVar contains an entry for this variant (Variation ID: 2684131). Invitae Evidence Modeling of protein sequence and biophysical properties (such as structural, functional, and spatial information, amino acid conservation, physicochemical variation, residue mobility, and thermodynamic stability) indicates that this missense variant is expected to disrupt NOTCH3 protein function with a positive predictive value of 95%. In summary, the available evidence is currently insufficient to determine the role of this variant in disease. Therefore, it has been classified as a Variant of Uncertain Significance.

GeneDx
Classification: Uncertain significance. Last evaluated: 2023-10-10. Review status: criteria provided, single submitter. Criteria: GeneDx Variant Classification Process June 2021. Collection method: clinical testing. Allele origin: germline. Affected: yes.
Comment: Not observed at significant frequency in large population cohorts (gnomAD); In silico analysis supports that this missense variant has a deleterious effect on protein structure/function; Has not been previously published as pathogenic or benign to our knowledge; This variant is associated with the following publications: (PMID: 24844136)

Athena Diagnostics
Classification: Pathogenic. Last evaluated: 2023-08-30. Review status: criteria provided, single submitter. Criteria: Athena Diagnostics Criteria. Collection method: clinical testing. Allele origin: unknown.
Comment: This variant has been identified in at least one individual with clinical features associated with this gene. This variant has not been reported in large, multi-ethnic general populations. This variant alters a critical location within the protein, and is expected to severely affect function and cause disease. Greater than 90% of NOTCH3 pathogenic variants associated with CADASIL involve the gain or loss of a cysteine residue within the epidermal growth factor (EGF)-like repeat domain (PMID: 32457593, 20301673).

ARUP Laboratories, Molecular Genetics and Genomics, ARUP Laboratories
Classification: Likely pathogenic. Last evaluated: 2023-03-31. Review status: criteria provided, single submitter. Criteria: ARUP Molecular Germline Variant Investigation Process 2024. Collection method: clinical testing. Allele origin: germline.
Comment: The NOTCH3 c.1531T>A; p.Cys511Ser variant, to our knowledge, is not reported in the medical literature or gene specific databases. This variant is absent from the Genome Aggregation Database, indicating it is not a common polymorphism. Additionally, other amino acid substitutions at this codon (p.Cys511Arg, p.Cys511Phe, p.Cys511Tyr) have been reported in individuals with (CADASIL) and are considered pathogenic (Opherk 2004; Mosca 2011; Bianchi 2005). Computational analyses predict that this variant is deleterious (REVEL: 0.948). Most pathogenic NOTCH3 variants occur in exons 2-24 and either create or destroy a cysteine residue within an EGF-like domain (Rutten 2014), and thus the p.Cys511Ser variant is consistent with the predominant mechanism of disease in NOTCH3. Based on available information, this variant is considered to be likely pathogenic. References: Bianchi S et al. Gene symbol: Notch3. Disease: CADASIL. Hum Genet. 2005 Dec;118(3-4):546. Mosca L et al. NOTCH3 gene mutations in subjects clinically suspected of CADASIL. J Neurol Sci. 2011 Aug 15;307(1-2):144-8. PMID: 21616505. Opherk C et al. Long-term prognosis and causes of death in CADASIL: a retrospective study in 411 patients. Brain. 2004 Nov;127(Pt 11):2533-9. PMID: 15364702. Rutten JW et al. Interpretation of NOTCH3 mutations in the diagnosis of CADASIL. Expert Rev Mol Diagn. 2014 Jun;14(5):593-603. PMID: 24844136.